The following is an entry in ClinVar:

ClinVar aggregate classification (germline): Uncertain significance. Review status: criteria provided, multiple submitters, no conflicts (2 of 4 stars). 2 submissions from 2 submitters: Uncertain significance (2). Last evaluated 2024-12-06.

Conditions:
Charcot-Marie-Tooth disease axonal type 2F (CMT2F). Also called: CHARCOT-MARIE-TOOTH DISEASE, NEURONAL, TYPE 2F; Charcot-Marie-Tooth Neuropathy Type 2F. Identifiers: Orphanet 99940, MedGen C1847823, MONDO:0011687, OMIM 606595.
Charcot-Marie-Tooth disease. Also called: Charcot-Marie-Tooth Hereditary Neuropathy; Charcot-Marie-Tooth Neuropathy. Identifiers: Orphanet 166, MedGen C0007959, MONDO:0015626.

Allele frequency attached by ClinVar (database versions not stated): gnomAD 0.00001; gnomAD exomes 0.00001.

Submissions (2):

Labcorp Genetics (formerly Invitae), Labcorp
Classification: Uncertain significance for Charcot-Marie-Tooth disease axonal type 2F. Last evaluated: 2024-12-06. Review status: criteria provided, single submitter. Criteria: Invitae Variant Classification Sherloc (09022015). Collection method: clinical testing. Allele origin: germline.
Comment: This sequence change replaces valine, which is neutral and non-polar, with methionine, which is neutral and non-polar, at codon 117 of the HSPB1 protein (p.Val117Met). This variant is not present in population databases (gnomAD no frequency). This variant has not been reported in the literature in individuals affected with HSPB1-related conditions. ClinVar contains an entry for this variant (Variation ID: 916735). Invitae Evidence Modeling of protein sequence and biophysical properties (such as structural, functional, and spatial information, amino acid conservation, physicochemical variation, residue mobility, and thermodynamic stability) indicates that this missense variant is not expected to disrupt HSPB1 protein function with a negative predictive value of 95%. In summary, the available evidence is currently insufficient to determine the role of this variant in disease. Therefore, it has been classified as a Variant of Uncertain Significance.

Molecular Genetics Laboratory, London Health Sciences Centre
Classification: Uncertain significance for Charcot-Marie-Tooth disease. Review status: criteria provided, single submitter. Criteria: ACMG Guidelines, 2015. Collection method: clinical testing. Allele origin: germline. Affected: yes.

NM_001540.5(HSPB1):c.349G>A (p.Val117Met)

Gene: HSPB1 (heat shock protein family B (small) member 1; plus strand). Cytogenetic location: 7q11.23.
Variant type: single nucleotide variant.
Coding change: c.349G>A on transcript NM_001540.5 (MANE Select); coding-DNA position 349, G replaced by A.
Protein change: p.Val117Met; replaces valine 117 with methionine.
Molecular consequence: missense variant.
Genome position (GRCh38, 1-based): chr7:76,303,061, G>A. VCF-style: chr7-76303061-G-A. GRCh37 (hg19) VCF-style: chr7-75932378-G-A.
Other names: short protein forms V117M.
Identifiers: ClinVar variation 916735 (VCV000916735.9), dbSNP rs1803031652, ClinGen allele CA367763760.